The following is an entry in ClinVar:

NM_006412.4(AGPAT2):c.809C>T (p.Ala270Val)

Gene: AGPAT2 (1-acylglycerol-3-phosphate O-acyltransferase 2; minus strand). Cytogenetic location: 9q34.3.
Variant type: single nucleotide variant.
Coding change: c.809C>T on transcript NM_006412.4 (MANE Select); coding-DNA position 809, C replaced by T.
Protein change: p.Ala270Val; replaces alanine 270 with valine.
Molecular consequence: missense variant.
Genome position (GRCh38, 1-based): chr9:136,673,780, G>A on the plus strand (C>T on the coding strand, the complement: AGPAT2 is on the minus strand). VCF-style: chr9-136673780-G-A. GRCh37 (hg19) VCF-style: chr9-139568232-G-A.
Other names: p.Ala270Val; c.713C>T, p.Ala238Val (NM_001012727.2); short protein forms A270V, A238V.
Identifiers: ClinVar variation 393423 (VCV000393423.17), dbSNP rs142417583, ClinGen allele CA5342808.

ClinVar aggregate classification (germline): Benign. Review status: criteria provided, multiple submitters, no conflicts (2 of 4 stars). 5 submissions from 5 submitters: Benign (4). 1 of the submissions does not count toward it. Last evaluated 2026-01-24.

Conditions:
Monogenic diabetes. Identifiers: Orphanet 183625, MedGen C3888631, MONDO:0015967.
Congenital generalized lipodystrophy type 1 (CGL1). Also called: BRUNZELL SYNDROME, AGPAT2-RELATED; Berardinelli-Seip Congenital Lipodystrophy Type 1. Identifiers: Orphanet 528, Orphanet 696189, MedGen C1720862, MONDO:0012071, OMIM 608594.

Allele frequency attached by ClinVar (database versions not stated): gnomAD exomes 0.00061 and 0.00153; ExAC 0.00340; 1000 Genomes Project 0.00579; gnomAD 0.00601 and 0.00634; 1000 Genomes Project 30x 0.00640; TOPMed 0.00660; ESP Exome Variant Server 0.00731.
gnomAD v4.1: 1,830 of 1,602,004 alleles (0.11%); highest among the groups gnomAD compares: African/African-American, 2.2%; 18 homozygotes.

Submissions (5):

Labcorp Genetics (formerly Invitae), Labcorp
Classification: Benign. Last evaluated: 2026-01-24. Review status: criteria provided, single submitter. Criteria: Invitae Variant Classification Sherloc (09022015). Collection method: clinical testing. Allele origin: germline.

Personalized Diabetes Medicine Program, University of Maryland School of Medicine
Classification: Benign for Monogenic diabetes. Last evaluated: 2025-05-08. Review status: criteria provided, single submitter. Criteria: ACMG Guidelines, 2015. Collection method: research. Allele origin: unknown. Observed: 1 variant allele, 1 heterozygote.
Comment: The c.809C>T variant in the 1-acylglycerol-3-phosphate o-acyltransferase 2 gene, AGPAT2, causes an amino acid change of alanine to valine at codon 270 (p.Ala270Val) of NM_006412.4. This variant is predicted to be benign by computational evidence, with a REVEL score of 0.13 (BP4_Moderate). This variant has a Grpmax filtering allele frequency of 0.021 in gnomAD, corresponding to an expected homozygote frequency of 0.000441 (1/2267), which is higher than expected for the rare recessive congenital condition congenital generalized lipodsytrophy (BS1). This variant was found in the homozygous state in 18 individuals in gnomAD v4, including 2 homozygotes in the controls/biobanks subset of gnomAD v3.1.2 (BS2). In summary, c.809C>T meets the criteria to be classified as benign for monogenic diabetes/congenital generalized lipodystrophy (BP4_Moderate, BS1, BS2).

Mayo Clinic Laboratories, Mayo Clinic
Classification: Benign. Last evaluated: 2025-01-27. Review status: criteria provided, single submitter. Criteria: ACMG Guidelines, 2015. Collection method: clinical testing. Allele origin: germline. Observed: 6 variant alleles.
Comment: BA1, BS2, BP4_moderate

Illumina Laboratory Services, Illumina
Classification: Benign for Congenital generalized lipodystrophy type 1. Last evaluated: 2018-01-12. Review status: criteria provided, single submitter. Criteria: ICSL Variant Classification Criteria 13 December 2019. Collection method: clinical testing. Allele origin: germline.
Comment: This variant was observed in the ICSL laboratory as part of a predisposition screen in an ostensibly healthy population. It had not been previously curated by ICSL or reported in the Human Gene Mutation Database (HGMD: prior to June 1st, 2018), and was therefore a candidate for classification through an automated scoring system. Utilizing variant allele frequency, disease prevalence and penetrance estimates, and inheritance mode, an automated score was calculated to assess if this variant is too frequent to cause the disease. Based on the score and internal cut-off values, a variant classified as benign is not then subjected to further curation. The score for this variant resulted in a classification of benign for this disease.

Clinical Genomics, Uppaluri K&H Personalized Medicine Clinic
Classification: Uncertain significance for Congenital generalized lipodystrophy type 1. Review status: flagged submission. Criteria: K And H Uppaluri Personalized Medicine Clinic Variant Classification And Assertion Criteria Updated V 2. Collection method: research. Allele origin: unknown. Inheritance: Autosomal recessive inheritance. Not counted in ClinVar's aggregate classification.
Comment: Potent mutations in AGPAT2 gene are associated with Congenital generalized lipodystrophy, type 1, which can present with insulin resistance, fatty liver and diabetes. However, the role of this particular variant rs142417583 in Congenital generalized lipodystrophy is yet to be ascertained.
ClinVar note: Notes: Submission provides no variant-level evidence, but just mentions the gene-disease relationship.
ClinVar note: Reason: Claim with insufficient supporting evidence

Literature cited by the submitters: PubMed 11967537 (cited by Clinical Genomics, Uppaluri K&H Personalized Medicine Clinic); PubMed 12826327 (cited by Clinical Genomics, Uppaluri K&H Personalized Medicine Clinic).